The following is an entry in ClinVar:

NM_152906.7(TANGO2):c.94C>T (p.Arg32Ter)

Gene: TANGO2 (transport and golgi organization 2 homolog; plus strand). Cytogenetic location: 22q11.21.
Variant type: single nucleotide variant.
Coding change: c.94C>T on transcript NM_152906.7 (MANE Select); coding-DNA position 94, C replaced by T.
Protein change: p.Arg32Ter; replaces arginine 32 with a stop codon.
Molecular consequence: nonsense. On other transcripts: 5 prime UTR variant (12), non-coding transcript variant (5).
Genome position (GRCh38, 1-based): chr22:20,043,392, C>T. VCF-style: chr22-20043392-C-T. GRCh37 (hg19) VCF-style: chr22-20030915-C-T.
Other names: NM_152906.7(TANGO2):c.94C>T; p.Arg32Ter; c.94C>T (NM_152906.6); c.94C>T, p.Arg32Ter (NM_001283106.3, NM_001283116.3, NM_001283148.3 and 10 more transcripts); c.217C>T, p.Arg73Ter (NM_001283129.3, NM_001283215.3, NM_001322141.2 and 5 more transcripts); c.-86C>T (NM_001283235.3, NM_001322146.2, NM_001322148.2 and 9 more transcripts); short protein forms R32*, R73*.
Identifiers: ClinVar variation 378700 (VCV000378700.31), dbSNP rs199801224, ClinGen allele CA10106195.
Genomic context (GRCh38, chr22:20,043,392, plus strand): 5'-TCAGTGATGCTTTCCTCTTGCAGGCTCATCTTGGCAGCCAACAGGGATGAATTCTACAGC[C>T]GACCCTCCAAGTTAGCTGACTTCTGGGGGAACAACAACGAGATCCTCAGTGGTGAGTCTT-3'

ClinVar aggregate classification (germline): Pathogenic/Likely pathogenic. Review status: criteria provided, multiple submitters, no conflicts (2 of 4 stars). 10 submissions from 10 submitters: Pathogenic (9); Likely pathogenic (1). Last evaluated 2025-10-07.

Conditions:
TANGO2-related disorder. Also called: TANGO2-related condition.
Recurrent metabolic encephalomyopathic crises-rhabdomyolysis-cardiac arrhythmia-intellectual disability syndrome (MECRCN). Also called: TANGO2 Deficiency; Metabolic encephalomyopathic crises, recurrent, with rhabdomyolysis, cardiac arrhythmias, and neurodegeneration; METABOLIC CRISES, RECURRENT, WITH RHABDOMYOLYSIS, CARDIAC ARRHYTHMIAS, AND NEURODEGENERATION. Identifiers: Orphanet 480864, MedGen C5567524, MONDO:0018820, OMIM 616878.

Allele frequency attached by ClinVar (database versions not stated): ExAC 0.00003; gnomAD exomes 0.00003; TOPMed 0.00004; gnomAD 0.00006; 1000 Genomes Project 30x 0.00016; 1000 Genomes Project 0.00020.
gnomAD v4.1: 25 of 1,613,662 alleles (0.0015%); highest among the groups gnomAD compares: African/African-American, 0.016%; no homozygotes.

Submissions (10):

Labcorp Genetics (formerly Invitae), Labcorp
Classification: Pathogenic. Last evaluated: 2025-10-07. Review status: criteria provided, single submitter. Criteria: Invitae Variant Classification Sherloc (09022015). Collection method: clinical testing. Allele origin: germline.
Comment: This sequence change creates a premature translational stop signal (p.Arg32*) in the TANGO2 gene. It is expected to result in an absent or disrupted protein product. Loss-of-function variants in TANGO2 are known to be pathogenic (PMID: 26805781, 26805782). This variant is present in population databases (rs199801224, gnomAD 0.02%). This premature translational stop signal has been observed in individual(s) with clinical features of TANGO2-related conditions (PMID: 27711071, 30245509, 32573669). It has also been observed to segregate with disease in related individuals. ClinVar contains an entry for this variant (Variation ID: 378700). For these reasons, this variant has been classified as Pathogenic.

Victorian Clinical Genetics Services, Murdoch Childrens Research Institute
Classification: Pathogenic for Recurrent metabolic encephalomyopathic crises-rhabdomyolysis-cardiac arrhythmia-intellectual disability syndrome. Last evaluated: 2025-09-02. Review status: criteria provided, single submitter. Criteria: ACMG Guidelines, 2015. Collection method: clinical testing. Allele origin: germline. Affected: yes.
Comment: This variant is classified as Pathogenic. Evidence in support of pathogenic classification: Variant is predicted to result in a truncated protein (premature termination codon is located within the first 102 nucleotides of the coding sequence and is predicted to escape nonsense-mediated decay); Variant is present in gnomAD <0.01 for a recessive condition (v4: 25 heterozygote(s), 0 homozygote(s)); This variant has strong previous evidence of pathogenicity in unrelated individuals. This variant has been classified as pathogenic by clinical laboratories in ClinVar, and reported in the literature in the homozygous and compound heterozygous state in individuals with TANGO2-related features (PMIDs: 30245509, 32929747). In addition, this variant has been reported in an individual with recurrent metabolic crises and encephalopathy; however, the zygosity was not provided (PMID: 27711071). Additional information: This variant is homozygous; This gene is associated with autosomal recessive disease; Loss of function is a known mechanism of disease in this gene and is associated with recurrent metabolic encephalomyopathic crises with rhabdomyolysis, cardiac arrhythmias, and neurodegeneration (MECRCN; MIM#616878).

Blueprint Genetics
Classification: Pathogenic for TANGO2-related disorders. Last evaluated: 2024-11-01. Review status: criteria provided, single submitter. Criteria: ACMG Guidelines, 2015. Collection method: clinical testing. Allele origin: germline. Affected: yes. Observed: 2 variant alleles.

Women's Health and Genetics/Laboratory Corporation of America, LabCorp
Classification: Pathogenic for Recurrent metabolic encephalomyopathic crises-rhabdomyolysis-cardiac arrhythmia-intellectual disability syndrome. Last evaluated: 2024-10-30. Review status: criteria provided, single submitter. Criteria: LabCorp Variant Classification Summary - May 2015. Collection method: clinical testing. Allele origin: germline.
Comment: Variant summary: TANGO2 c.94C>T (p.Arg32X) results in a premature termination codon, predicted to cause a truncation of the encoded protein or absence of the protein due to nonsense mediated decay, which are commonly known mechanisms for disease. The variant allele was found at a frequency of 2.8e-05 in 251182 control chromosomes. c.94C>T has been reported in the literature in individuals affected with Recurrent Metabolic Encephalomyopathic Crises-Rhabdomyolysis Arrhythmia-Intellectual Disability Syndrome (Lunke_2020). These data indicate that the variant may be associated with disease. To our knowledge, no experimental evidence demonstrating an impact on protein function has been reported. The following publication have been ascertained in the context of this evaluation (PMID: 32573669). ClinVar contains an entry for this variant (Variation ID: 378700). Based on the evidence outlined above, the variant was classified as pathogenic.

Rady Children's Institute for Genomic Medicine, Rady Children's Hospital San Diego
Classification: Pathogenic for TANGO2 Deficiency. Last evaluated: 2024-08-30. Review status: criteria provided, single submitter. Criteria: ACMG Guidelines, 2015. Collection method: clinical testing. Allele origin: germline. Affected: yes.
Comment: This nonsense variant found in exon 3 of 9 is predicted to result in loss of normal protein function through either protein truncation or nonsense-mediated mRNA decay. Loss-of-function variation in TANGO2 is an established mechanism of disease (PMID: 26805782). This variant has been previously reported as a compound heterozygous and homozygous change in patients with TANGO2 deficiency (PMID: 32573669, 30245509, 27711071). The c.94C>T (p.Arg32Ter) variant is present in the latest version of the gnomAD population database at an allele frequency of 0.002% (25/1613662), and is absent in the homozygous state, thus is presumed to be rare. Based on the available evidence, c.94C>T (p.Arg32Ter) is classified as Pathogenic.

Genomic Medicine Center of Excellence, King Faisal Specialist Hospital and Research Centre
Classification: Pathogenic for Recurrent metabolic encephalomyopathic crises-rhabdomyolysis-cardiac arrhythmia-intellectual disability syndrome. Last evaluated: 2024-03-17. Review status: criteria provided, single submitter. Criteria: ACMG Guidelines, 2015. Collection method: research. Allele origin: germline.

GeneDx
Classification: Pathogenic. Last evaluated: 2022-09-28. Review status: criteria provided, single submitter. Criteria: GeneDx Variant Classification Process June 2021. Collection method: clinical testing. Allele origin: germline. Affected: yes.
Comment: Nonsense variant predicted to result in protein truncation or nonsense mediated decay in a gene for which loss-of-function is a known mechanism of disease; This variant is associated with the following publications: (PMID: 32552793, 32573669, 32929747, 33144682, 27711071, 30245509)

Revvity Omics, Revvity
Classification: Likely pathogenic for Recurrent metabolic encephalomyopathic crises-rhabdomyolysis-cardiac arrhythmia-intellectual disability syndrome. Last evaluated: 2021-09-02. Review status: criteria provided, single submitter. Criteria: ACMG Guidelines, 2015. Collection method: clinical testing. Allele origin: germline.

Broad Center for Mendelian Genomics, Broad Institute of MIT and Harvard
Classification: Pathogenic for Recurrent metabolic encephalomyopathic crises-rhabdomyolysis-cardiac arrhythmia-intellectual disability syndrome. Last evaluated: 2021-05-21. Review status: criteria provided, single submitter. Criteria: ACMG Guidelines, 2015. Collection method: curation. Allele origin: germline. Inheritance: Autosomal recessive inheritance.
Comment: The p.Arg32Ter variant in TANGO2 has been reported in 6 individuals with metabolic encephalomyopathic crises, recurrent, with rhabdomyolysis, cardiac arrhythmias, and neurodegeneration (MECRCN) (PMID: 27711071, 30245509, 32573669, 32929747), and has been identified in 0.016% (4/24966) of African/African American chromosomes by the Genome Aggregation Database (gnomAD; dbSNP ID: rs199801224). Although this variant has been seen in the general population in a heterozygous state, its frequency is not high enough to rule out a pathogenic role. This variant has also been reported in ClinVar (Variation ID#: 378700) and has been interpreted as pathogenic by GeneDx, Laboratory for Molecular Medicine (Partners HealthCare Personalized Medicine), Victorian Clinical Genetics Services (Murdoch Childrens Research Institute), and Baylor Genetics. Of the 6 affected individuals, 3 of those were homozygotes, 1 was a compound heterozygote that carried a reported pathogenic variant in trans, and 2 siblings were compound heterozygotes that carried a variant of uncertain significance in trans, which increases the likelihood that the p.Arg32Ter variant is pathogenic (Variation ID: 224770; PMID: 32929747, 30245509). This nonsense variant leads to a premature termination codon at position 32, which is predicted to lead to a truncated or absent protein. Loss of function of the TANGO2 gene is strongly associated to autosomal recessive MECRCN. In summary, this variant meets criteria to be classified as pathogenic for autosomal recessive MECRCN. ACMG/AMP Criteria applied: PM3_strong, PVS1_strong (Richards 2015)

Laboratory for Molecular Medicine, Mass General Brigham Personalized Medicine
Classification: Pathogenic for METABOLIC CRISES, RECURRENT, WITH RHABDOMYOLYSIS, CARDIAC ARRHYTHMIAS, AND NEURODEGENERATION. Last evaluated: 2018-12-13. Review status: criteria provided, single submitter. Criteria: LMM Criteria. Collection method: clinical testing. Allele origin: germline. Inheritance: Autosomal recessive inheritance. Observed: 1 variant allele.
Comment: The p.Arg32X variant in TANGO2 has been reported in the homozygous state in 2 in dividuals and in the compound heterozygous state in 1 individual with TANGO2-rel ated disorders and segregated with disease in 1 affected individual (Shamseldin 2017, Dines 2018). It has also been identified in 0.02% (4/24966) of African chr omosomes by gnomAD. This nonsense variant lea ds to a premature termination codon at position 32, which is predicted to lead t o a truncated or absent protein. Biallelic loss of function of the TANGO2 gene i s strongly associated to autosomal recessive TANGO2-related disorders. In summar y, this variant meets criteria to be classified as pathogenic for autosomal rece ssive TANGO2-related disorders. ACMG/AMP criteria applied: PVS1, PM2_Supporting, PP1, PM3.

Literature cited by the submitters: PubMed 26805781 (cited by Labcorp Genetics (formerly Invitae), Labcorp); PubMed 26805782 (cited by Labcorp Genetics (formerly Invitae), Labcorp); PubMed 27711071 (cited by 3 submitters); PubMed 30245509 (cited by 3 submitters); PubMed 32573669 (cited by Labcorp Genetics (formerly Invitae), Labcorp and Women's Health and Genetics/Laboratory Corporation of America, LabCorp); PubMed 32929747 (cited by Victorian Clinical Genetics Services, Murdoch Childrens Research Institute).